The following is an entry in ClinVar:

NM_001972.4(ELANE):c.133G>C (p.Val45Leu)

Gene: ELANE (elastase, neutrophil expressed; plus strand). Cytogenetic location: 19p13.3.
Variant type: single nucleotide variant.
Coding change: c.133G>C on transcript NM_001972.4 (MANE Select); coding-DNA position 133, G replaced by C.
Protein change: p.Val45Leu; replaces valine 45 with leucine.
Molecular consequence: missense variant.
Genome position (GRCh38, 1-based): chr19:852,941, G>C. VCF-style: chr19-852941-G-C. GRCh37 (hg19) VCF-style: chr19-852941-G-C.
Other names: short protein forms V45L.
Identifiers: ClinVar variation 2632170 (VCV002632170.1), dbSNP rs1599290793, ClinGen allele CA402914526.

ClinVar aggregate classification (germline): Likely pathogenic (1 of 4 stars; one submission).

Conditions:
ELANE-related disorder. Also called: ELANE-related condition.

Submission:

PreventionGenetics, part of Exact Sciences
Classification: Likely pathogenic for ELANE-related condition. Last evaluated: 2023-06-01. Review status: criteria provided, single submitter. Criteria: ACMG Guidelines, 2015. Collection method: clinical testing. Allele origin: germline.
Comment: The ELANE c.133G>C variant is predicted to result in the amino acid substitution p.Val45Leu. This variant has been reported in an individual with cyclic neutropenia (Germeshausen et al. 2013. PubMed ID: 23463630. Table S1). Other variants affecting amino acid residue p.Val45 have also been reported in patients with either congenital or cyclic neutropenia (p.Val45Met and p.Val45Glu, Horwitz et al. 2007. PubMed ID: 17053055; Germeshausen et al. 2013. PubMed ID: 23463630. Table S1) suggesting that amino acid residue p.Val45 is important for proper ELANE protein function. This variant has not been reported in a large population database, indicating this variant is rare. This variant is interpreted as likely pathogenic.